The following is an entry in ClinVar:

ClinVar aggregate classification (germline): Uncertain significance (1 of 4 stars; one submission).

Conditions:
Cardiovascular phenotype. Identifiers: MedGen CN230736.

gnomAD v4.1: 1 of 1,613,954 alleles (0.000062%); highest among the groups gnomAD compares: Non-Finnish European, 0.000085%; no homozygotes.

Submission:

Ambry Genetics
Classification: Uncertain significance for Cardiovascular phenotype. Last evaluated: 2024-09-02. Review status: criteria provided, single submitter. Criteria: Ambry Variant Classification Scheme 2023. Collection method: clinical testing. Allele origin: germline.
Comment: The p.N408Y variant (also known as c.1222A>T), located in coding exon 8 of the AKAP9 gene, results from an A to T substitution at nucleotide position 1222. The asparagine at codon 408 is replaced by tyrosine, an amino acid with dissimilar properties. This amino acid position is conserved. In addition, this alteration is predicted to be tolerated by in silico analysis. Based on the available evidence, the clinical significance of this variant remains unclear.

NM_005751.5(AKAP9):c.1222A>T (p.Asn408Tyr)

Gene: AKAP9 (A-kinase anchoring protein 9; plus strand). Cytogenetic location: 7q21.2.
Variant type: single nucleotide variant.
Coding change: c.1222A>T on transcript NM_005751.5 (MANE Select); coding-DNA position 1222, A replaced by T.
Protein change: p.Asn408Tyr; replaces asparagine 408 with tyrosine.
Molecular consequence: missense variant.
Genome position (GRCh38, 1-based): chr7:92,001,139, A>T. VCF-style: chr7-92001139-A-T. GRCh37 (hg19) VCF-style: chr7-91630453-A-T.
Other names: c.1222A>T, p.Asn408Tyr (NM_147185.3); short protein forms N408Y.
Identifiers: ClinVar variation 3516474 (VCV003516474.1).
Genomic context (GRCh38, chr7:92,001,139, plus strand): 5'-AGACAGTCTTCTGAAGAAATAAAACAGTTAATGGGGACAGTCGAAGAACTTCAGAAGAGA[A>T]ATCATAAAGACAGCCAGTTCGAAACTGATATAGTACAACGAATGGAACAAGAAACACAAA-3'
Protein context (NP_005742.4, residues 398-418): MGTVEELQKR[Asn408Tyr]HKDSQFETDI